The following is an entry in ClinVar:

ClinVar aggregate classification (germline): Pathogenic. Review status: reviewed by expert panel (3 of 4 stars). 4 submissions from 4 submitters: Pathogenic (1). 3 of the submissions do not count toward it. Last evaluated 2024-07-23.

Conditions:
Retinitis pigmentosa (RP). Identifiers: Orphanet 791, MedGen C0035334, MeSH D012174, MONDO:0019200, OMIM 268000. Inheritance: Autosomal dominant, autosomal recessive and X linked inheritance.
Retinitis pigmentosa 20 (RP20). Identifiers: Orphanet 791, MedGen C3151086, MONDO:0013425, OMIM 613794.
Leber congenital amaurosis 2 (LCA2). Also called: Autosomal Recessive RPE65-Related Retinal Degeneration; AMAUROSIS CONGENITA OF LEBER II. Identifiers: Orphanet 65, MedGen C1859844, MONDO:0008765, OMIM 204100. Disease mechanism: loss of function.
RPE65-related recessive retinopathy. Also called: Recessive RPE65 retinopathy. Identifiers: MedGen CN305526, MONDO:0100368.

Allele frequency attached by ClinVar (database versions not stated): gnomAD exomes below 0.00001; gnomAD 0.00001.
gnomAD v4.1: 5 of 1,614,048 alleles (0.00031%); highest among the groups gnomAD compares: Non-Finnish European, 0.00034%; no homozygotes.

Submissions (4):

ClinGen Leber Congenital Amaurosis/early Onset Retinal Dystrophy Variant Curation Expert Panel, ClinGen
Classification: Pathogenic for RPE65-related recessive retinopathy. Last evaluated: 2024-07-23. Review status: reviewed by expert panel. Criteria: ClinGen LCAeoRD ACMG Specifications RPE65 V1.0.0. Collection method: curation. Allele origin: germline. Inheritance: Autosomal recessive inheritance.
Comment: NM_000329.3(RPE65):c.329A>G (p.Asp110Gly) is a missense variant predicted to replace aspartic acid with glycine at position 110. This variant is a located within the membrane-interacting region between amino acids 107 and 125, which is a well-characterized functional domain required for proper localization to the ER membrane (PM1, PMID: 36265895). This variant is present in gnomAD v.4.1.0 at a Grpmax allele frequency of 0.0000007 with 4 alleles / 1180028 total alleles in the European (non-Finnish) population, which is lower than the ClinGen LCA / eoRD VCEP PM2_Supporting threshold of <0.0002 (PM2_Supporting). At least one proband harboring this variant exhibits a phenotype including a diagnosis of Leber congenital amaurosis (0.5 pts), onset by age 2 years (1 pt), extinguished electroretinogram responses from both rods (0.5 pts) and cones (1 pt), nystagmus (1 pt), attenuated retinal vessels with bone spicule pigmentation (0.5 pts), and optic nerve atrophy (0.5 pts), which together are specific for RPE65-related recessive retinopathy (5 total points, PMID: 26626312, PP4). This variant has been reported in at least 2 apparently unrelated probands with early-onset severe retinal dystrophy who were homozygous for the variant (1 point, PMID: 26626312). This variant has also been reported in at least 2 probands with early-onset severe retinal dystrophy who were compound heterozygous with the NM_000329.3(RPE65):c.11+5G>A variant suspected in trans (0.5+0.5 points, PMID: 26626312), which was previously classified pathogenic by the ClinGen LCA / eoRD VCEP (2 total points, PM3_Strong). The computational predictor REVEL gives a score of 0.945, which is above the ClinGen LCA/eoRD VCEP threshold of ≥0.773 and predicts a damaging effect on RPE65 function (PP3_Moderate). In summary, this variant meets the criteria to be classified as pathogenic for RPE65-related recessive retinopathy based on the ACMG/AMP criteria applied, as specified by the ClinGen LCA / eoRD VCEP: PM1, PM2_Supporting, PM3_Strong, PP3_Moderate, and PP4. (VCEP specifications version 1.0.0; date of approval 09/21/2023).

Myriad Genetics, Inc.
Classification: Likely pathogenic for RPE65-related recessive retinopathy. Last evaluated: 2025-11-05. Review status: criteria provided, single submitter. Criteria: Myriad Autosomal Dominant, Autosomal Recessive and X-Linked Classification Criteria (2023). Collection method: clinical testing. Allele origin: unknown. Not counted in ClinVar's aggregate classification.
Comment: NM_000329.2(RPE65):c.329A>G(D110G) is a missense variant classified as likely pathogenic in the context of inherited retinal dystrophy, RPE65-related. D110G has been observed in cases with relevant disease (PMID: 26626312, 26306921, 30718709). Relevant functional assessments of this variant are not available in the literature. D110G has not been observed in referenced population frequency databases. In summary, NM_000329.2(RPE65):c.329A>G(D110G) is a missense variant that has been observed more frequently in cases with the relevant disease than in healthy populations. Please note: this variant was assessed in the context of healthy population screening.

Labcorp Genetics (formerly Invitae), Labcorp
Classification: Likely pathogenic for Leber congenital amaurosis 2; Retinitis pigmentosa 20. Last evaluated: 2022-06-04. Review status: criteria provided, single submitter. Criteria: Invitae Variant Classification Sherloc (09022015). Collection method: clinical testing. Allele origin: germline. Not counted in ClinVar's aggregate classification.
Comment: In summary, the currently available evidence indicates that the variant is pathogenic, but additional data are needed to prove that conclusively. Therefore, this variant has been classified as Likely Pathogenic. Algorithms developed to predict the effect of sequence changes on RNA splicing suggest that this variant may create or strengthen a splice site. Algorithms developed to predict the effect of missense changes on protein structure and function are either unavailable or do not agree on the potential impact of this missense change (SIFT: "Deleterious"; PolyPhen-2: "Possibly Damaging"; Align-GVGD: "Class C0"). ClinVar contains an entry for this variant (Variation ID: 636202). This missense change has been observed in individuals with autosomal recessive inherited retinal dystrophy (PMID: 26306921, 26626312, 30268864, 30718709). This variant is not present in population databases (gnomAD no frequency). This sequence change replaces aspartic acid, which is acidic and polar, with glycine, which is neutral and non-polar, at codon 110 of the RPE65 protein (p.Asp110Gly).

Department of Clinical Genetics, Copenhagen University Hospital, Rigshospitalet
Classification: Uncertain significance for Retinitis pigmentosa. Last evaluated: 2018-04-01. Review status: no assertion criteria provided. Collection method: research. Allele origin: unknown. Affected: yes. Study: VeluxRD. Not counted in ClinVar's aggregate classification.

Literature cited by the submitters: PubMed 26306921 (cited by Myriad Genetics, Inc. and Labcorp Genetics (formerly Invitae), Labcorp); PubMed 26626312 (cited by Myriad Genetics, Inc. and Labcorp Genetics (formerly Invitae), Labcorp); PubMed 30718709 (cited by 3 submitters); PubMed 30268864 (cited by Labcorp Genetics (formerly Invitae), Labcorp).

NM_000329.3(RPE65):c.329A>G (p.Asp110Gly)

Gene: RPE65 (retinoid isomerohydrolase RPE65; minus strand). Cytogenetic location: 1p31.3.
Variant type: single nucleotide variant.
Coding change: c.329A>G on transcript NM_000329.3 (MANE Select); coding-DNA position 329, A replaced by G.
Protein change: p.Asp110Gly; replaces aspartic acid 110 with glycine.
Molecular consequence: missense variant.
Genome position (GRCh38, 1-based): chr1:68,444,800, T>C on the plus strand (A>G on the coding strand, the complement: RPE65 is on the minus strand). VCF-style: chr1-68444800-T-C. GRCh37 (hg19) VCF-style: chr1-68910483-T-C.
Other names: NM_000329.3(RPE65):c.329A>G; p.Asp110Gly; short protein forms D110G.
Identifiers: ClinVar variation 636202 (VCV000636202.8), dbSNP rs1571170561, ClinGen allele CA340748193.